The following is an entry in ClinVar:

NM_000548.5(TSC2):c.471G>C (p.Glu157Asp)

Gene: TSC2 (TSC complex subunit 2; plus strand). Cytogenetic location: 16p13.3.
Variant type: single nucleotide variant.
Coding change: c.471G>C on transcript NM_000548.5 (MANE Select); coding-DNA position 471, G replaced by C.
Protein change: p.Glu157Asp; replaces glutamic acid 157 with aspartic acid.
Molecular consequence: missense variant. On other transcripts: 5 prime UTR variant (13), non-coding transcript variant (5), intron variant (6).
Genome position (GRCh38, 1-based): chr16:2,054,430, G>C. VCF-style: chr16-2054430-G-C. GRCh37 (hg19) VCF-style: chr16-2104431-G-C.
Other names: c.471G>C, p.Glu157Asp (NM_001077183.3, NM_001114382.3, NM_001363528.2 and 8 more transcripts); c.360G>C, p.Glu120Asp (NM_001318827.2, NM_001406678.1, NM_001406670.1); c.324G>C, p.Glu108Asp (NM_001318829.2, NM_001406679.1, NM_001406675.1 and 1 more transcripts); c.504G>C, p.Glu168Asp (NM_001318832.2); c.414G>C, p.Glu138Asp (NM_001406677.1); c.-346G>C (NM_001406680.1, NM_001406683.1, NM_001406687.1); c.26G>C, p.Arg9Thr (NM_001406681.1); c.-961G>C (NM_001406689.1, NM_001406690.1, NM_001406691.1 and 2 more transcripts); and 6 more; short protein forms E157D, E168D, E187D, E138D, E108D, E120D, R9T.
Identifiers: ClinVar variation 4826465 (VCV004826465.1).

ClinVar aggregate classification (germline): Uncertain significance (1 of 4 stars; one submission).

Conditions:
Hereditary cancer-predisposing syndrome. Also called: Neoplastic Syndromes, Hereditary; Tumor predisposition; Hereditary Cancer Syndrome; Hereditary neoplastic syndrome. Identifiers: Orphanet 140162, MedGen C0027672, MeSH D009386, MONDO:0015356.

Submission:

Ambry Genetics
Classification: Uncertain significance for Hereditary cancer-predisposing syndrome. Last evaluated: 2026-03-03. Review status: criteria provided, single submitter. Criteria: Ambry Variant Classification Scheme 2023. Collection method: clinical testing. Allele origin: germline.
Comment: The p.E157D variant (also known as c.471G>C), located in coding exon 4 of the TSC2 gene, results from a G to C substitution at nucleotide position 471. The glutamic acid at codon 157 is replaced by aspartic acid, an amino acid with highly similar properties. This amino acid position is conserved. In addition, the in silico prediction for this alteration is inconclusive. Based on the available evidence, the clinical significance of this variant remains unclear.